The following is an entry in ClinVar:

ClinVar aggregate classification (germline): Uncertain significance (1 of 4 stars; one submission).

Submission:

Labcorp Genetics (formerly Invitae), Labcorp
Classification: Uncertain significance. Last evaluated: 2025-04-05. Review status: criteria provided, single submitter. Criteria: Invitae Variant Classification Sherloc (09022015). Collection method: clinical testing. Allele origin: germline.
Comment: This sequence change replaces serine, which is neutral and polar, with isoleucine, which is neutral and non-polar, at codon 178 of the KITLG protein (p.Ser178Ile). This variant is not present in population databases (gnomAD no frequency). This variant has not been reported in the literature in individuals affected with KITLG-related conditions. Invitae Evidence Modeling of protein sequence and biophysical properties (such as structural, functional, and spatial information, amino acid conservation, physicochemical variation, residue mobility, and thermodynamic stability) indicates that this missense variant is not expected to disrupt KITLG protein function with a negative predictive value of 80%. In summary, the available evidence is currently insufficient to determine the role of this variant in disease. Therefore, it has been classified as a Variant of Uncertain Significance.

NM_000899.5(KITLG):c.533G>T (p.Ser178Ile)

Gene: KITLG (KIT ligand; minus strand). Cytogenetic location: 12q21.32.
Variant type: single nucleotide variant.
Coding change: c.533G>T on transcript NM_000899.5 (MANE Select); coding-DNA position 533, G replaced by T.
Protein change: p.Ser178Ile; replaces serine 178 with isoleucine.
Molecular consequence: missense variant. On other transcripts: intron variant (1).
Genome position (GRCh38, 1-based): chr12:88,515,605, C>A on the plus strand (G>T on the coding strand, the complement: KITLG is on the minus strand). VCF-style: chr12-88515605-C-A. GRCh37 (hg19) VCF-style: chr12-88909382-C-A.
Other names: c.520+729G>T (NM_003994.6); short protein forms S178I.
Identifiers: ClinVar variation 4704682 (VCV004704682.1).